The following is an entry in ClinVar:

NM_005428.4(VAV1):c.2137G>A (p.Val713Ile)

Gene: VAV1 (vav guanine nucleotide exchange factor 1; plus strand). Cytogenetic location: 19p13.3.
Variant type: single nucleotide variant.
Coding change: c.2137G>A on transcript NM_005428.4 (MANE Select); coding-DNA position 2137, G replaced by A.
Protein change: p.Val713Ile; replaces valine 713 with isoleucine.
Molecular consequence: missense variant.
Genome position (GRCh38, 1-based): chr19:6,850,677, G>A. VCF-style: chr19-6850677-G-A. GRCh37 (hg19) VCF-style: chr19-6850688-G-A.
Other names: c.2071G>A, p.Val691Ile (NM_001258206.2); c.2041G>A, p.Val681Ile (NM_001258207.2); c.2137G>A (NM_005428.2); short protein forms V691I, V713I, V681I.
Identifiers: ClinVar variation 2201164 (VCV002201164.5), dbSNP rs745830320, ClinGen allele CA9132875.

ClinVar aggregate classification (germline): Uncertain significance. Review status: criteria provided, multiple submitters, no conflicts (2 of 4 stars). 2 submissions from 2 submitters: Uncertain significance (2). Last evaluated 2025-09-09.

Allele frequency attached by ClinVar (database versions not stated): ExAC 0.00002.
gnomAD v4.1: 54 of 1,613,884 alleles (0.0033%); highest among the groups gnomAD compares: East Asian, 0.0089%; no homozygotes.

Submissions (2):

Ambry Genetics
Classification: Uncertain significance. Last evaluated: 2025-09-09. Review status: criteria provided, single submitter. Criteria: Ambry Variant Classification Scheme 2023. Collection method: clinical testing. Allele origin: germline.

Labcorp Genetics (formerly Invitae), Labcorp
Classification: Uncertain significance. Last evaluated: 2025-03-26. Review status: criteria provided, single submitter. Criteria: Invitae Variant Classification Sherloc (09022015). Collection method: clinical testing. Allele origin: germline.
Comment: This sequence change replaces valine, which is neutral and non-polar, with isoleucine, which is neutral and non-polar, at codon 713 of the VAV1 protein (p.Val713Ile). This variant is present in population databases (rs745830320, gnomAD 0.006%). This variant has not been reported in the literature in individuals affected with VAV1-related conditions. ClinVar contains an entry for this variant (Variation ID: 2201164). An algorithm developed to predict the effect of missense changes on protein structure and function (PolyPhen-2) suggests that this variant is likely to be tolerated. In summary, the available evidence is currently insufficient to determine the role of this variant in disease. Therefore, it has been classified as a Variant of Uncertain Significance.